The following is an entry in ClinVar:

NM_000038.6(APC):c.2937G>T (p.Met979Ile)

Gene: APC (APC regulator of Wnt signaling pathway; plus strand). Cytogenetic location: 5q22.2.
Variant type: single nucleotide variant.
Coding change: c.2937G>T on transcript NM_000038.6 (MANE Select); coding-DNA position 2937, G replaced by T.
Protein change: p.Met979Ile; replaces methionine 979 with isoleucine.
Molecular consequence: missense variant.
Genome position (GRCh38, 1-based): chr5:112,838,531, G>T. VCF-style: chr5-112838531-G-T. GRCh37 (hg19) VCF-style: chr5-112174228-G-T.
Other names: c.2937G>T, p.Met979Ile (NM_001127510.3, NM_001354895.2); c.2883G>T, p.Met961Ile (NM_001127511.3); c.2991G>T, p.Met997Ile (NM_001354896.2); c.2967G>T, p.Met989Ile (NM_001354897.2); c.2862G>T, p.Met954Ile (NM_001354898.2); c.2853G>T, p.Met951Ile (NM_001354899.2); c.2814G>T, p.Met938Ile (NM_001354900.2); c.2760G>T, p.Met920Ile (NM_001354901.2); and 5 more; short protein forms M819I, M853I, M878I, M989I, M997I, M888I, M938I, M954I.
Identifiers: ClinVar variation 652779 (VCV000652779.12), dbSNP rs1580629017, ClinGen allele CA16027749.

ClinVar aggregate classification (germline): Uncertain significance. Review status: criteria provided, multiple submitters, no conflicts (2 of 4 stars). 2 submissions from 2 submitters: Uncertain significance (2). Last evaluated 2021-06-30.

Conditions:
Familial adenomatous polyposis 1 (FAP1). Also called: POLYPOSIS, ADENOMATOUS INTESTINAL; FAMILIAL ADENOMATOUS POLYPOSIS 1, ATTENUATED. Identifiers: MedGen C2713442, MONDO:0021056, OMIM 175100. Disease mechanism: loss of function.
Hereditary cancer-predisposing syndrome. Also called: Neoplastic Syndromes, Hereditary; Tumor predisposition; Hereditary Cancer Syndrome; Hereditary neoplastic syndrome. Identifiers: Orphanet 140162, MedGen C0027672, MeSH D009386, MONDO:0015356.

Submissions (2):

Ambry Genetics
Classification: Uncertain significance for Hereditary cancer-predisposing syndrome. Last evaluated: 2021-06-30. Review status: criteria provided, single submitter. Criteria: Ambry Variant Classification Scheme 2023. Collection method: clinical testing. Allele origin: germline.
Comment: The p.M979I variant (also known as c.2937G>T), located in coding exon 15 of the APC gene, results from a G to T substitution at nucleotide position 2937. The methionine at codon 979 is replaced by isoleucine, an amino acid with highly similar properties. This amino acid position is well conserved in available vertebrate species. In addition, in silico predictors for this gene do not accurately predict pathogenicity. Since supporting evidence is limited at this time, the clinical significance of this alteration remains unclear.

Labcorp Genetics (formerly Invitae), Labcorp
Classification: Uncertain significance for Familial adenomatous polyposis 1. Last evaluated: 2018-12-19. Review status: criteria provided, single submitter. Criteria: Invitae Variant Classification Sherloc (09022015). Collection method: clinical testing. Allele origin: germline.
Comment: This variant is not present in population databases (ExAC no frequency). This sequence change replaces methionine with isoleucine at codon 979 of the APC protein (p.Met979Ile). The methionine residue is highly conserved and there is a small physicochemical difference between methionine and isoleucine. In summary, the available evidence is currently insufficient to determine the role of this variant in disease. Therefore, it has been classified as a Variant of Uncertain Significance. Algorithms developed to predict the effect of missense changes on protein structure and function are either unavailable or do not agree on the potential impact of this missense change (SIFT: "Deleterious"; PolyPhen-2: "Benign"; Align-GVGD: "Class C0"). This variant has not been reported in the literature in individuals with APC-related conditions.